The following is an entry in ClinVar:

ClinVar aggregate classification (germline): Likely pathogenic (1 of 4 stars; one submission).

Submission:

GeneDx
Classification: Likely pathogenic. Last evaluated: 2018-08-07. Review status: criteria provided, single submitter. Criteria: GeneDx Variant Classification (06012015). Collection method: clinical testing. Allele origin: germline. Affected: yes.
Comment: The c.935dupT variant in the DSP gene has not been reported previously as a pathogenic variant nor as a benign variant, to our knowledge. The c.935dupT variant causes a frameshift starting with codon Serine 313, changes this amino acid to a Leucine residue, and creates a premature Stop codon at position 10 of the new reading frame, denoted p.Ser313LeufsX10. This variant is predicted to cause loss of normal protein function either through protein truncation or nonsense-mediated mRNA decay. The c.935dupT variant is not observed in large population cohorts (Lek et al., 2016). We interpret c.935dupT as a likely pathogenic variant.

NM_004415.4(DSP):c.935dup (p.Ser313fs)

Gene: DSP (desmoplakin; plus strand). Cytogenetic location: 6p24.3.
Variant type: Duplication.
Coding change: c.935dup on transcript NM_004415.4 (MANE Select); coding-DNA position 935, one base duplicated (T; older notation c.935dupT).
Protein change: p.Ser313fs; shifts the reading frame from serine 313.
Molecular consequence: frameshift variant.
Genome position (GRCh38, 1-based): chr6:7,565,516, T duplicated; the last of 2 consecutive T bases (chr6:7,565,515-7,565,516); duplicating either gives the same sequence. VCF-style (leftmost placement, unchanged base first): chr6-7565514-C-CT. GRCh37 (hg19) VCF-style: chr6-7565747-C-CT.
Other names: c.935dup, p.Ser313fs (NM_001008844.3, NM_001319034.2); short protein forms S313fs.
Identifiers: ClinVar variation 817186 (VCV000817186.1), dbSNP rs1581799477, ClinGen allele CA915944139.